The following is an entry in ClinVar:

NM_001243133.2(NLRP3):c.1535G>A (p.Cys512Tyr)

Gene: NLRP3 (NLR family pyrin domain containing 3; plus strand). Cytogenetic location: 1q44.
Variant type: single nucleotide variant.
Coding change: c.1535G>A on transcript NM_001243133.2 (MANE Select); coding-DNA position 1535, G replaced by A.
Protein change: p.Cys512Tyr; replaces cysteine 512 with tyrosine.
Molecular consequence: missense variant.
Genome position (GRCh38, 1-based): chr1:247,424,984, G>A. VCF-style: chr1-247424984-G-A. GRCh37 (hg19) VCF-style: chr1-247588286-G-A.
Other names: c.1535G>A, p.Cys512Tyr (NM_001079821.3, NM_001127461.3, NM_001127462.3 and 1 more transcripts); c.1541G>A, p.Cys514Tyr (NM_004895.5); short protein forms C514Y, C512Y.
Identifiers: ClinVar variation 2920825 (VCV002920825.2), dbSNP rs1428174026, ClinGen allele CA345557108.

ClinVar aggregate classification (germline): Uncertain significance. Review status: criteria provided, multiple submitters, no conflicts (2 of 4 stars). 2 submissions from 2 submitters: Uncertain significance (2). Last evaluated 2024-06-12.

Conditions:
Familial cold autoinflammatory syndrome 1 (FCAS1). Also called: Familial cold inflammatory syndrome 1; CRYOPYRIN-ASSOCIATED PERIODIC SYNDROME 1. Identifiers: Orphanet 47045, MedGen C4551895, MONDO:0007349, OMIM 120100.
Keratitis fugax hereditaria. Also called: KERATOENDOTHELIITIS FUGAX HEREDITARIA. Identifiers: Orphanet 647815, MedGen C1835697, MONDO:0007849, OMIM 148200.
Hearing loss, autosomal dominant 34, with or without inflammation. Also called: DEAFNESS, AUTOSOMAL DOMINANT 34, WITH OR WITHOUT INFLAMMATION. Identifiers: MedGen C4521680, MONDO:0033261, OMIM 617772.
Familial amyloid nephropathy with urticaria AND deafness (MWS). Also called: MUCKLE-WELLS SYNDROME; Urticaria, deafness and amyloidosis; CRYOPYRIN-ASSOCIATED PERIODIC SYNDROME 2; UDA SYNDROME; URTICARIA-DEAFNESS-AMYLOIDOSIS SYNDROME. Identifiers: Orphanet 575, MedGen C0268390, MONDO:0008633, OMIM 191900.
Chronic infantile neurological, cutaneous and articular syndrome (CINCA). Also called: CHRONIC NEUROLOGIC CUTANEOUS AND ARTICULAR SYNDROME; Prieur Griscelli syndrome; CINCA syndrome; CRYOPYRIN-ASSOCIATED PERIODIC SYNDROME 3. Identifiers: Orphanet 1451, MedGen C0409818, MONDO:0011776, OMIM 607115.

Allele frequency attached by ClinVar (database versions not stated): gnomAD exomes below 0.00001; TOPMed below 0.00001.
gnomAD v4.1: 4 of 1,614,184 alleles (0.00025%); highest among the groups gnomAD compares: Non-Finnish European, 0.00034%; no homozygotes.

Submissions (2):

Fulgent Genetics
Classification: Uncertain significance for Familial cold autoinflammatory syndrome 1; Keratitis fugax hereditaria; Familial amyloid nephropathy with urticaria AND deafness; Chronic infantile neurological, cutaneous and articular syndrome; Hearing loss, autosomal dominant 34, with or without inflammation. Last evaluated: 2024-06-12. Review status: criteria provided, single submitter. Criteria: ACMG Guidelines, 2015. Collection method: clinical testing. Allele origin: germline.

ARUP Laboratories, Molecular Genetics and Genomics, ARUP Laboratories
Classification: Uncertain significance. Last evaluated: 2023-11-06. Review status: criteria provided, single submitter. Criteria: ARUP Molecular Germline Variant Investigation Process 2024. Collection method: clinical testing. Allele origin: germline.
Comment: The NLRP3 c.1541G>A; p.Cys514Tyr variant (rs1428174026), to our knowledge, is not reported in the medical literature or gene specific databases. This variant is also absent from the Genome Aggregation Database, indicating it is not a common polymorphism. The cysteine at codon 514 is highly conserved, but computational analyses are uncertain whether this variant is neutral or deleterious (REVEL: 0.485). Due to limited information, the clinical significance of this variant is uncertain at this time.